The following is an entry in ClinVar:

ClinVar aggregate classification (germline): Uncertain significance (1 of 4 stars; one submission).

gnomAD v4.1: 18 of 1,614,128 alleles (0.0011%); highest among the groups gnomAD compares: Non-Finnish European, 0.0014%; no homozygotes.

Submission:

CeGaT Center for Human Genetics Tuebingen
Classification: Uncertain significance. Last evaluated: 2025-06-01. Review status: criteria provided, single submitter. Criteria: CeGaT Center For Human Genetics Tuebingen Variant Classification Criteria Version 2. Collection method: clinical testing. Allele origin: germline. Affected: yes. Observed: 1 variant allele.
Comment: HERC2: PM2, PP2, PP3

NM_004667.6(HERC2):c.9334G>A (p.Ala3112Thr)

Gene: HERC2 (HECT and RLD domain containing E3 ubiquitin protein ligase 2; minus strand). Cytogenetic location: 15q13.1.
Variant type: single nucleotide variant.
Coding change: c.9334G>A on transcript NM_004667.6 (MANE Select); coding-DNA position 9334, G replaced by A.
Protein change: p.Ala3112Thr; replaces alanine 3112 with threonine.
Molecular consequence: missense variant.
Genome position (GRCh38, 1-based): chr15:28,177,048, C>T on the plus strand (G>A on the coding strand, the complement: HERC2 is on the minus strand). VCF-style: chr15-28177048-C-T. GRCh37 (hg19) VCF-style: chr15-28422194-C-T.
Other names: short protein forms A3112T.
Identifiers: ClinVar variation 3905492 (VCV003905492.10).